The following is an entry in ClinVar:

ClinVar aggregate classification (germline): Uncertain significance. Review status: criteria provided, multiple submitters, no conflicts (2 of 4 stars). 2 submissions from 2 submitters: Uncertain significance (2). Last evaluated 2025-07-08.

Submissions (2):

ARUP Laboratories, Molecular Genetics and Genomics, ARUP Laboratories
Classification: Uncertain significance. Last evaluated: 2025-07-08. Review status: criteria provided, single submitter. Criteria: ARUP Molecular Germline Variant Investigation Process 2024. Collection method: clinical testing. Allele origin: germline.
Comment: The TTN c.35101_35103del; p.Glu11701del variant (rs989789573), to our knowledge, is not reported in the medical literature but is reported in ClinVar (Variation ID: 3372438). This variant is only observed on two alleles in the Genome Aggregation Database (v2.1.1), indicating it is not a common polymorphism. This variant deletes a single glutamic acid residue leaving the rest of the protein in-frame. Due to limited information, the clinical significance of this variant is uncertain at this time.

GeneDx
Classification: Uncertain significance. Last evaluated: 2024-04-25. Review status: criteria provided, single submitter. Criteria: GeneDx Variant Classification Process June 2021. Collection method: clinical testing. Allele origin: germline. Affected: yes.
Comment: Not observed at significant frequency in large population cohorts (gnomAD); In-frame deletion of 1 amino acid in a gene in which most reported pathogenic variants are truncating/loss of function; Has not been previously published as pathogenic or benign to our knowledge

NM_001267550.2(TTN):c.35098GAA[1] (p.Glu11701del)

Gene: TTN (titin; minus strand). Cytogenetic location: 2q31.2.
Variant type: Microsatellite.
Coding change: c.35098GAA[1] on transcript NM_001267550.2 (MANE Select); one copy of the 3-base unit GAA starting at c.35098; the reference has two copies in a row; one copy, 3 bases deleted; also written c.35101_35103del.
Protein change: p.Glu11701del; deletes glutamic acid 11701.
Molecular consequence: inframe indel (on NM_001267550.1). On other transcripts: intron variant (3).
Genome position (GRCh38, 1-based): chr2:178,672,095-178,672,097, TTC deleted on the plus strand (GAA on the coding strand, the reverse complement: TTN is on the minus strand); deleting any 3 consecutive bases within chr2:178,672,095-178,672,101 gives the same sequence; the position shown is the placement nearest the transcript's 3' end. VCF-style (leftmost placement, unchanged base first): chr2-178672094-ATTC-A. GRCh37 (hg19) VCF-style: chr2-179536821-ATTC-A.
Other names: c.33976GAA[1], p.Glu11327del (NM_001256850.1); c.35097_35099AGA[1], p.Glu11701del (NM_001267550.1); c.31195GAA[1], p.Glu10400del (NM_133378.4); c.13283-29780_13283-29778del (NM_003319.4); c.13859-29780_13859-29778del (NM_133437.4); c.13658-29780_13658-29778del (NM_133432.3); c.35101_35103del (NM_001267550.1); short protein forms E10400del, E11327del, E11701del.
Identifiers: ClinVar variation 3372438 (VCV003372438.2).